The following is an entry in ClinVar:

NM_175914.5(HNF4A):c.610G>A (p.Glu204Lys)

Gene: HNF4A (hepatocyte nuclear factor 4 alpha; plus strand). Cytogenetic location: 20q13.12.
Variant type: single nucleotide variant.
Coding change: c.610G>A on transcript NM_175914.5 (MANE Select); coding-DNA position 610, G replaced by A.
Protein change: p.Glu204Lys; replaces glutamic acid 204 with lysine.
Molecular consequence: missense variant.
Genome position (GRCh38, 1-based): chr20:44,418,452, G>A. VCF-style: chr20-44418452-G-A. GRCh37 (hg19) VCF-style: chr20-43047092-G-A.
Other names: c.676G>A, p.Glu226Lys (NM_000457.6, NM_178849.3, NM_178850.3); c.610G>A, p.Glu204Lys (NM_001030003.3, NM_001030004.3); c.655G>A, p.Glu219Lys (NM_001258355.2); c.601G>A, p.Glu201Lys (NM_001287182.2, NM_001287183.2, NM_001287184.2); short protein forms E201K, E204K, E219K, E226K.
Identifiers: ClinVar variation 1676239 (VCV001676239.2), dbSNP rs753476712, ClinGen allele CA315410743.

ClinVar aggregate classification (germline): Uncertain significance (1 of 4 stars; one submission).

Conditions:
Maturity-onset diabetes of the young type 1. Also called: MODY type 1; Diabetes mellitus MODY type 1; MODY HNF4A related; HNF4A-Related Maturity-Onset Diabetes of the Young Type 1; MILD JUVENILE DIABETES MELLITUS; MODY, type I. Identifiers: Orphanet 552, MedGen C1852093, MONDO:0007452, OMIM 125850. Disease mechanism: loss of function.

Allele frequency attached by ClinVar (database versions not stated): gnomAD exomes below 0.00001; TOPMed below 0.00001.
gnomAD v4.1: 4 of 1,613,896 alleles (0.00025%); highest among the groups gnomAD compares: Admixed American, 0.0017%; no homozygotes.

Submission:

Molecular Genetics, Royal Melbourne Hospital
Classification: Uncertain significance for Maturity-onset diabetes of the young type 1. Last evaluated: 2023-03-30. Review status: criteria provided, single submitter. Criteria: ACMG Guidelines, 2015. Collection method: clinical testing. Allele origin: germline. Affected: yes.
Comment: This sequence change is predicted to replace glutamic acid with lysine at codon 226 of the HNF4A protein, p.(Glu226Lys), also known as NM_175914.4:c.610G>A, p.(Glu204Lys)). The glutamic acid residue is evolutionarily conserved (100 vertebrates, UCSC), and is located in a helix in the nuclear receptor ligand-binding domain. There is a small physicochemical difference between glutamic acid and lysine. The variant is present in a single individual in a large population cohort (1/251,086 alleles in gnomAD v2.1), and has been identified in at least two individuals with diabetes (PMID: 33046911, Royal Melbourne Hospital). Multiple lines of computational evidence predict a deleterious effect for the missense substitution (6/6 algorithms). Based on the classification scheme RMH Modified ACMG Guidelines v1.4.0, this variant is classified as a VARIANT OF UNCERTAIN SIGNIFICANCE. Following criteria are met: PS4_Supporting, PM2_Supporting, PP3.

Literature cited by the submitters: PubMed 33046911.